The following is an entry in ClinVar:

NM_006767.4(LZTR1):c.1171C>T (p.His391Tyr)

Gene: LZTR1 (leucine zipper like post translational regulator 1; plus strand). Cytogenetic location: 22q11.21.
Variant type: single nucleotide variant.
Coding change: c.1171C>T on transcript NM_006767.4 (MANE Select); coding-DNA position 1171, C replaced by T.
Protein change: p.His391Tyr; replaces histidine 391 with tyrosine.
Molecular consequence: missense variant.
Genome position (GRCh38, 1-based): chr22:20,992,815, C>T. VCF-style: chr22-20992815-C-T. GRCh37 (hg19) VCF-style: chr22-21347104-C-T.
Other names: short protein forms H391Y.
Identifiers: ClinVar variation 3541558 (VCV003541558.3).

ClinVar aggregate classification (germline): Uncertain significance. Review status: criteria provided, multiple submitters, no conflicts (2 of 4 stars). 2 submissions from 2 submitters: Uncertain significance (2). Last evaluated 2025-04-23.

Conditions:
Hereditary cancer-predisposing syndrome. Also called: Hereditary Cancer Syndrome; Hereditary neoplastic syndrome; Tumor predisposition; Neoplastic Syndromes, Hereditary. Identifiers: Orphanet 140162, MedGen C0027672, MeSH D009386, MONDO:0015356.
Cardiovascular phenotype. Identifiers: MedGen CN230736.

Submissions (2):

Labcorp Genetics (formerly Invitae), Labcorp
Classification: Uncertain significance. Last evaluated: 2025-04-23. Review status: criteria provided, single submitter. Criteria: Invitae Variant Classification Sherloc (09022015). Collection method: clinical testing. Allele origin: germline.
Comment: This sequence change replaces histidine, which is basic and polar, with tyrosine, which is neutral and polar, at codon 391 of the LZTR1 protein (p.His391Tyr). This variant is not present in population databases (gnomAD no frequency). This variant has not been reported in the literature in individuals affected with LZTR1-related conditions. ClinVar contains an entry for this variant (Variation ID: 3541558). Invitae Evidence Modeling of protein sequence and biophysical properties (such as structural, functional, and spatial information, amino acid conservation, physicochemical variation, residue mobility, and thermodynamic stability) indicates that this missense variant is not expected to disrupt LZTR1 protein function with a negative predictive value of 80%. In summary, the available evidence is currently insufficient to determine the role of this variant in disease. Therefore, it has been classified as a Variant of Uncertain Significance.

Ambry Genetics
Classification: Uncertain significance for Cardiovascular phenotype; Hereditary cancer-predisposing syndrome. Last evaluated: 2024-08-11. Review status: criteria provided, single submitter. Criteria: Ambry Variant Classification Scheme 2023. Collection method: clinical testing. Allele origin: germline.
Comment: The p.H391Y variant (also known as c.1171C>T), located in coding exon 11 of the LZTR1 gene, results from a C to T substitution at nucleotide position 1171. The histidine at codon 391 is replaced by tyrosine, an amino acid with similar properties. This amino acid position is highly conserved in available vertebrate species. In addition, the in silico prediction for this alteration is inconclusive. Based on the available evidence, the clinical significance of this variant remains unclear.